The following is an entry in ClinVar:

NM_003611.3(OFD1):c.791A>T (p.Glu264Val)

Gene: OFD1 (OFD1 centriole and centriolar satellite protein; plus strand). Cytogenetic location: Xp22.2.
Variant type: single nucleotide variant.
Coding change: c.791A>T on transcript NM_003611.3 (MANE Select); coding-DNA position 791, A replaced by T.
Protein change: p.Glu264Val; replaces glutamic acid 264 with valine.
Molecular consequence: missense variant.
Genome position (GRCh38, 1-based): chrX:13,746,916, A>T. VCF-style: chrX-13746916-A-T. GRCh37 (hg19) VCF-style: chrX-13765035-A-T.
Other names: c.791A>T, p.Glu264Val (NM_001330209.2); c.371A>T, p.Glu124Val (NM_001330210.2); short protein forms E124V, E264V.
Identifiers: ClinVar variation 3757239 (VCV003757239.3).
Genomic context (GRCh38, chrX:13,746,916, plus strand): 5'-TGTTCCAGAATGATTTTGAAAAAGCTTGTCAAGCAAAATCTGAAGCTCTCGTTCTTCGGG[A>T]AAAGAGTACCCTTGAAAGAATTCACAAGCACCAAGAGGTGGTATTTACAAATATTTTATG-3'
Protein context (NP_003602.1, residues 254-274): QAKSEALVLR[Glu264Val]KSTLERIHKH

ClinVar aggregate classification (germline): Uncertain significance (1 of 4 stars; one submission).

Conditions:
Joubert syndrome. Also called: CEREBELLOPARENCHYMAL DISORDER IV; JOUBERT-BOLTSHAUSER SYNDROME; Familial aplasia of the vermis. Identifiers: Orphanet 475, MedGen C5979921, MONDO:0018772.
Orofaciodigital syndrome I (OFD1). Also called: OFDS I; Papillon-Leage and Psaume Syndrome; Oral-Facial-Digital Syndrome Type I. Identifiers: Orphanet 2750, MedGen C1510460, MONDO:0010702, OMIM 311200.

Submissions (2):

Labcorp Genetics (formerly Invitae), Labcorp
Classification: Uncertain significance for Orofaciodigital syndrome I; Joubert syndrome. Last evaluated: 2024-07-14. Review status: criteria provided, single submitter. Criteria: Invitae Variant Classification Sherloc (09022015). Collection method: clinical testing. Allele origin: germline.
Comment: This sequence change replaces glutamic acid, which is acidic and polar, with valine, which is neutral and non-polar, at codon 264 of the OFD1 protein (p.Glu264Val). This variant is not present in population databases (gnomAD no frequency). This variant has not been reported in the literature in individuals affected with OFD1-related conditions. Advanced modeling of protein sequence and biophysical properties (such as structural, functional, and spatial information, amino acid conservation, physicochemical variation, residue mobility, and thermodynamic stability) performed at Invitae indicates that this missense variant is not expected to disrupt OFD1 protein function with a negative predictive value of 80%. Algorithms developed to predict the effect of sequence changes on RNA splicing suggest that this variant may disrupt the consensus splice site. In summary, the available evidence is currently insufficient to determine the role of this variant in disease. Therefore, it has been classified as a Variant of Uncertain Significance.

Dr. Peter K. Rogan Lab, Western University
No classification provided (evidence only). Condition: Nonpapillary renal cell carcinoma. Review status: no classification provided. Collection method: in vitro. Allele origin: not applicable. Functional consequence: retained intron. Not counted in ClinVar's aggregate classification.